The following is an entry in ClinVar:

NM_015340.4(LARS2):c.1394C>T (p.Pro465Leu)

Genes: LARS2 (leucyl-tRNA synthetase 2, mitochondrial; plus strand), LARS2-AS1 (LARS2 antisense RNA 1; minus strand). Cytogenetic location: 3p21.31.
Variant type: single nucleotide variant.
Coding change: c.1394C>T on transcript NM_015340.4 (MANE Select); coding-DNA position 1394, C replaced by T.
Protein change: p.Pro465Leu; replaces proline 465 with leucine.
Molecular consequence: missense variant.
Genome position (GRCh38, 1-based): chr3:45,491,671, C>T. VCF-style: chr3-45491671-C-T. GRCh37 (hg19) VCF-style: chr3-45533163-C-T.
Other names: c.1394C>T, p.Pro465Leu (NM_001368263.1); short protein forms P465L.
Identifiers: ClinVar variation 3903170 (VCV003903170.1).

ClinVar aggregate classification (germline): Uncertain significance (1 of 4 stars; one submission).

gnomAD v4.1: 1 of 1,614,214 alleles (0.000062%); highest among the groups gnomAD compares: South Asian, 0.0011%; no homozygotes.

Submission:

GeneDx
Classification: Uncertain significance. Last evaluated: 2024-12-12. Review status: criteria provided, single submitter. Criteria: GeneDx Variant Classification Process June 2021. Collection method: clinical testing. Allele origin: germline. Affected: yes.
Comment: Not observed at significant frequency in large population cohorts (gnomAD); In silico analysis supports that this missense variant has a deleterious effect on protein structure/function; Has not been previously published as pathogenic or benign to our knowledge